The following is an entry in ClinVar:

ClinVar aggregate classification (germline): Uncertain significance (1 of 4 stars; one submission).

Conditions:
Intellectual developmental disorder, autosomal dominant 1. Also called: MBD5 Haploinsufficiency; Intellectual disability, autosomal dominant 1. Identifiers: Orphanet 228402, MedGen C1969562, MONDO:0007974, OMIM 156200.

Submission:

Labcorp Genetics (formerly Invitae), Labcorp
Classification: Uncertain significance for Intellectual developmental disorder, autosomal dominant 1. Last evaluated: 2023-03-18. Review status: criteria provided, single submitter. Criteria: Invitae Variant Classification Sherloc (09022015). Collection method: clinical testing. Allele origin: germline.
Comment: This variant has not been reported in the literature in individuals affected with MBD5-related conditions. This sequence change replaces proline, which is neutral and non-polar, with glutamine, which is neutral and polar, at codon 308 of the MBD5 protein (p.Pro308Gln). This variant is not present in population databases (gnomAD no frequency). Advanced modeling of protein sequence and biophysical properties (such as structural, functional, and spatial information, amino acid conservation, physicochemical variation, residue mobility, and thermodynamic stability) has been performed at Invitae for this missense variant, however the output from this modeling did not meet the statistical confidence thresholds required to predict the impact of this variant on MBD5 protein function. In summary, the available evidence is currently insufficient to determine the role of this variant in disease. Therefore, it has been classified as a Variant of Uncertain Significance.

NM_001378120.1(MBD5):c.923C>A (p.Pro308Gln)

Gene: MBD5 (methyl-CpG binding domain protein 5; plus strand). Cytogenetic location: 2q23.1.
Variant type: single nucleotide variant.
Coding change: c.923C>A on transcript NM_001378120.1 (MANE Select); coding-DNA position 923, C replaced by A.
Protein change: p.Pro308Gln; replaces proline 308 with glutamine.
Molecular consequence: missense variant.
Genome position (GRCh38, 1-based): chr2:148,468,866, C>A. VCF-style: chr2-148468866-C-A. GRCh37 (hg19) VCF-style: chr2-149226435-C-A.
Other names: c.923C>A, p.Pro308Gln (NM_018328.5); short protein forms P308Q.
Identifiers: ClinVar variation 2847141 (VCV002847141.3), dbSNP rs2469859080, ClinGen allele CA348717999.
Genomic context (GRCh38, chr2:148,468,866, plus strand): 5'-CCTGTGCAATGGCTGGAAGGACTAATATACCTCTTTCCCCAACCTTGACTACAAAGAGTC[C>A]AGTAATGAAAAAACCAATGTGTAATTTTTCAACTAATATGGAAATACCACGAGCAATGTT-3'
Protein context (NP_001365049.1, residues 298-318): PLSPTLTTKS[Pro308Gln]VMKKPMCNFS